The following is an entry in ClinVar:

ClinVar aggregate classification (germline): Benign. Review status: criteria provided, multiple submitters, no conflicts (2 of 4 stars). 3 submissions from 3 submitters: Benign (2). 1 of the submissions does not count toward it. Last evaluated 2026-02-03.

Conditions:
TELO2-related disorder. Also called: TELO2-related condition.

Allele frequency attached by ClinVar (database versions not stated): gnomAD exomes 0.00198 and 0.00546; ExAC 0.00664; gnomAD 0.02085 and 0.02228; TOPMed 0.02291; 1000 Genomes Project 0.02296; 1000 Genomes Project 30x 0.02436; ESP Exome Variant Server 0.02531.
gnomAD v4.1: 6,185 of 1,613,084 alleles (0.38%); highest among the groups gnomAD compares: African/African-American, 7.2%; 218 homozygotes.

Submissions (3):

Labcorp Genetics (formerly Invitae), Labcorp
Classification: Benign. Last evaluated: 2026-02-03. Review status: criteria provided, single submitter. Criteria: Invitae Variant Classification Sherloc (09022015). Collection method: clinical testing. Allele origin: germline.

Breakthrough Genomics
Classification: Benign. Review status: criteria provided, single submitter. Criteria: ACMG Guidelines, 2015. Collection method: not provided. Allele origin: germline. Inheritance: Autosomal recessive inheritance. Affected: yes.

PreventionGenetics, part of Exact Sciences
Classification: Benign for TELO2-related condition. Last evaluated: 2020-02-17. Review status: no assertion criteria provided. Collection method: clinical testing. Allele origin: germline. Not counted in ClinVar's aggregate classification.
Comment: This variant is classified as benign based on ACMG/AMP sequence variant interpretation guidelines (Richards et al. 2015 PMID: 25741868, with internal and published modifications).

NM_016111.4(TELO2):c.1532C>T (p.Ala511Val)

Gene: TELO2 (telomere maintenance 2; plus strand). Cytogenetic location: 16p13.3.
Variant type: single nucleotide variant.
Coding change: c.1532C>T on transcript NM_016111.4 (MANE Select); coding-DNA position 1532, C replaced by T.
Protein change: p.Ala511Val; replaces alanine 511 with valine.
Molecular consequence: missense variant.
Genome position (GRCh38, 1-based): chr16:1,502,106, C>T. VCF-style: chr16-1502106-C-T. GRCh37 (hg19) VCF-style: chr16-1552107-C-T.
Other names: c.1532C>T, p.Ala511Val (NM_001351846.2); short protein forms A511V.
Identifiers: ClinVar variation 782405 (VCV000782405.12), dbSNP rs58099766, ClinGen allele CA7812188.